The following is an entry in ClinVar:

ClinVar aggregate classification (germline): Conflicting classifications of pathogenicity. Review status: criteria provided, conflicting classifications (1 of 4 stars). 3 submissions from 3 submitters: Uncertain significance (2); Likely benign (1). Last evaluated 2026-01-25.

Conditions:
Hypertrophic cardiomyopathy. Also called: HYPERTROPHIC MYOCARDIOPATHY. Identifiers: Orphanet 217569, MedGen C0007194, MeSH D002312, MONDO:0005045, HP:0001639.
Cardiovascular phenotype. Identifiers: MedGen CN230736.

Allele frequency attached by ClinVar (database versions not stated): gnomAD 0.00001; TOPMed 0.00001.
gnomAD v4.1: 2 of 1,614,060 alleles (0.00012%); highest among the groups gnomAD compares: African/African-American, 0.0013%; no homozygotes.

Submissions (3):

Labcorp Genetics (formerly Invitae), Labcorp
Classification: Uncertain significance for Hypertrophic cardiomyopathy. Last evaluated: 2026-01-25. Review status: criteria provided, single submitter. Criteria: Invitae Variant Classification Sherloc (09022015). Collection method: clinical testing. Allele origin: germline.
Comment: This sequence change falls in intron 7 of the TPM1 gene. It does not directly change the encoded amino acid sequence of the TPM1 protein. It affects a nucleotide within the consensus splice site. This variant is present in population databases (rs796682308, gnomAD 0.007%). This variant has not been reported in the literature in individuals affected with TPM1-related conditions. ClinVar contains an entry for this variant (Variation ID: 967640). Variants that disrupt the consensus splice site are a relatively common cause of aberrant splicing (PMID: 17576681, 9536098). Algorithms developed to predict the effect of sequence changes on RNA splicing suggest that this variant may disrupt the consensus splice site. In summary, the available evidence is currently insufficient to determine the role of this variant in disease. Therefore, it has been classified as a Variant of Uncertain Significance.

All of Us Research Program, National Institutes of Health
Classification: Likely benign for Hypertrophic cardiomyopathy. Last evaluated: 2023-11-20. Review status: criteria provided, single submitter. Criteria: ACMG Guidelines, 2015. Collection method: clinical testing. Allele origin: germline. Inheritance: Autosomal dominant inheritance. Observed: 2 variant alleles, 2 heterozygotes.
Comment: This study involves interpretation of variants in research participants for the purpose of population health screening. Participant phenotype was not available at the time of variant classification. Additional details can be found in publication PMID: 35346344, PMCID: PMC8962531

Ambry Genetics
Classification: Uncertain significance for Cardiovascular phenotype. Last evaluated: 2021-10-04. Review status: criteria provided, single submitter. Criteria: Ambry Variant Classification Scheme 2023. Collection method: clinical testing. Allele origin: germline.
Comment: The c.703-3C>T intronic variant results from a C to T substitution 3 nucleotides upstream from coding exon 8 in the TPM1 gene. This nucleotide position is well conserved in available vertebrate species. In silico splice site analysis for this alteration is inconclusive. Since supporting evidence is limited at this time, the clinical significance of this alteration remains unclear.

Literature cited by the submitters: PubMed 17576681 (cited by Labcorp Genetics (formerly Invitae), Labcorp); PubMed 9536098 (cited by Labcorp Genetics (formerly Invitae), Labcorp).

NM_001018005.2(TPM1):c.703-3C>T

Gene: TPM1 (tropomyosin 1; plus strand). Cytogenetic location: 15q22.2.
Variant type: single nucleotide variant.
Coding change: c.703-3C>T on transcript NM_001018005.2 (MANE Select); 3 bases into the intron before coding-DNA position 703, C replaced by T.
Molecular consequence: intron variant.
Genome position (GRCh38, 1-based): chr15:63,062,573, C>T. VCF-style: chr15-63062573-C-T. GRCh37 (hg19) VCF-style: chr15-63354772-C-T.
Other names: c.829-3C>T (NM_001365778.1); c.703-3C>T (NM_001018020.2, NM_001018007.2, NM_001018006.2 and 6 more transcripts); c.595-3C>T (NM_001330351.2, NM_001330344.2, NM_001018008.2 and 5 more transcripts).
Identifiers: ClinVar variation 967640 (VCV000967640.12), dbSNP rs796682308, ClinGen allele CA272034248.